The following is an entry in ClinVar:

ClinVar aggregate classification (germline): Uncertain significance (1 of 4 stars; one submission).

Conditions:
Tessadori-Van Haaften neurodevelopmental syndrome 4 (TEBIVANED4). Identifiers: MedGen C5677016, MONDO:0031000, OMIM 619951.

Submission:

3billion
Classification: Uncertain significance for Tessadori-Van Haaften neurodevelopmental syndrome 4. Last evaluated: 2025-05-13. Review status: criteria provided, single submitter. Criteria: ACMG Guidelines, 2015. Collection method: clinical testing. Allele origin: germline. Affected: yes.
Comment: The variant is not observed in the gnomAD v4.1.0 dataset. Predicted Consequence/Location: Missense variant In silico tool predictions suggest damaging effect of the variant on gene or gene product [REVEL: 0.75 (>=0.6, sensitivity 0.68 and specificity 0.92)]. Therefore, this variant is classified as VUS according to the recommendation of ACMG/AMP guideline.

NM_003495.3(H4C9):c.241A>G (p.Thr81Ala)

Genes: H2BC12 (H2B clustered histone 12; minus strand), H4C9 (H4 clustered histone 9; plus strand). Cytogenetic location: 6p22.1.
Variant type: single nucleotide variant.
Coding change: c.241A>G on transcript NM_003495.3 (MANE Select); coding-DNA position 241, A replaced by G.
Protein change: p.Thr81Ala; replaces threonine 81 with alanine.
Molecular consequence: missense variant. On other transcripts: intron variant (1).
Genome position (GRCh38, 1-based): chr6:27,139,549, A>G. VCF-style: chr6-27139549-A-G. GRCh37 (hg19) VCF-style: chr6-27107328-A-G.
Other names: c.*10-868T>C (NM_080593.2); short protein forms T81A.
Identifiers: ClinVar variation 4854166 (VCV004854166.1).